The following is an entry in ClinVar:

NM_001329943.3(KIAA0586):c.496A>G (p.Thr166Ala)

Gene: KIAA0586 (KIAA0586; plus strand). Cytogenetic location: 14q23.1.
Variant type: single nucleotide variant.
Coding change: c.496A>G on transcript NM_001329943.3 (MANE Select); coding-DNA position 496, A replaced by G.
Protein change: p.Thr166Ala; replaces threonine 166 with alanine.
Molecular consequence: missense variant.
Genome position (GRCh38, 1-based): chr14:58,442,791, A>G. VCF-style: chr14-58442791-A-G. GRCh37 (hg19) VCF-style: chr14-58909509-A-G.
Other names: c.655A>G, p.Thr219Ala (NM_001244189.2); c.451A>G, p.Thr151Ala (NM_001244190.2); c.241A>G, p.Thr81Ala (NM_001244191.2, NM_001329945.2, NM_001364700.1 and 1 more transcripts); c.364A>G, p.Thr122Ala (NM_001244192.2); c.76A>G, p.Thr26Ala (NM_001244193.2); c.496A>G, p.Thr166Ala (NM_001329944.2, NM_001329946.2, NM_001329947.2 and 1 more transcripts); short protein forms T122A, T151A, T166A, T219A, T26A, T81A.
Identifiers: ClinVar variation 1694721 (VCV001694721.31), dbSNP rs773064815, ClinGen allele CA7205411.

ClinVar aggregate classification (germline): Uncertain significance (1 of 4 stars; one submission).

Allele frequency attached by ClinVar (database versions not stated): gnomAD exomes below 0.00001 and 0.00001; ExAC 0.00003.
gnomAD v4.1: 4 of 1,605,492 alleles (0.00025%); highest among the groups gnomAD compares: South Asian, 0.0045%; no homozygotes.

Submission:

CeGaT Center for Human Genetics Tuebingen
Classification: Uncertain significance. Last evaluated: 2022-05-01. Review status: criteria provided, single submitter. Criteria: CeGaT Center For Human Genetics Tuebingen Variant Classification Criteria Version 2. Collection method: clinical testing. Allele origin: germline. Affected: yes. Observed: 1 variant allele.
Comment: KIAA0586: PM2, BP4